The following is an entry in ClinVar:

NM_002528.7(NTHL1):c.151C>G (p.Arg51Gly)

Gene: NTHL1 (nth like DNA glycosylase 1; minus strand). Cytogenetic location: 16p13.3.
Variant type: single nucleotide variant.
Coding change: c.151C>G on transcript NM_002528.7 (MANE Select); coding-DNA position 151, C replaced by G.
Protein change: p.Arg51Gly; replaces arginine 51 with glycine.
Molecular consequence: missense variant. On other transcripts: 5 prime UTR variant (1).
Genome position (GRCh38, 1-based): chr16:2,046,331, G>C on the plus strand (C>G on the coding strand, the complement: NTHL1 is on the minus strand). VCF-style: chr16-2046331-G-C. GRCh37 (hg19) VCF-style: chr16-2096332-G-C.
Other names: c.175C>G (NM_002528.5); c.151C>G, p.Arg51Gly (NM_001318193.2); c.-28C>G (NM_001318194.2); short protein forms R51G.
Identifiers: ClinVar variation 2842909 (VCV002842909.4), dbSNP rs376907606, ClinGen allele CA394297957.

ClinVar aggregate classification (germline): Uncertain significance. Review status: criteria provided, multiple submitters, no conflicts (2 of 4 stars). 2 submissions from 2 submitters: Uncertain significance (2). Last evaluated 2026-07-06.

Conditions:
Hereditary cancer-predisposing syndrome. Also called: Hereditary Cancer Syndrome; Hereditary neoplastic syndrome; Neoplastic Syndromes, Hereditary; Tumor predisposition. Identifiers: Orphanet 140162, MedGen C0027672, MeSH D009386, MONDO:0015356.

Submissions (2):

Ambry Genetics
Classification: Uncertain significance for Hereditary cancer-predisposing syndrome. Last evaluated: 2026-07-06. Review status: criteria provided, single submitter. Criteria: Ambry Variant Classification Scheme 2023. Collection method: clinical testing. Allele origin: germline.
Comment: The p.R59G variant (also known as c.175C>G), located in coding exon 2 of the NTHL1 gene, results from a C to G substitution at nucleotide position 175. The arginine at codon 59 is replaced by glycine, an amino acid with dissimilar properties. This amino acid position is conserved. In addition, this alteration is predicted to be tolerated by in silico analysis. Based on the available evidence, the clinical significance of this variant remains unclear.

Labcorp Genetics (formerly Invitae), Labcorp
Classification: Uncertain significance. Last evaluated: 2023-05-15. Review status: criteria provided, single submitter. Criteria: Invitae Variant Classification Sherloc (09022015). Collection method: clinical testing. Allele origin: germline.
Comment: In summary, the available evidence is currently insufficient to determine the role of this variant in disease. Therefore, it has been classified as a Variant of Uncertain Significance. This variant is not present in population databases (gnomAD no frequency). This sequence change replaces arginine, which is basic and polar, with glycine, which is neutral and non-polar, at codon 59 of the NTHL1 protein (p.Arg59Gly). An algorithm developed to predict the effect of missense changes on protein structure and function (PolyPhen-2) suggests that this variant is likely to be tolerated. This variant has not been reported in the literature in individuals affected with NTHL1-related conditions.